The following is an entry in ClinVar:

NM_014413.4(EIF2AK1):c.1520A>G (p.Tyr507Cys)

Gene: EIF2AK1 (eukaryotic translation initiation factor 2 alpha kinase 1; minus strand). Cytogenetic location: 7p22.1.
Variant type: single nucleotide variant.
Coding change: c.1520A>G on transcript NM_014413.4 (MANE Select); coding-DNA position 1520, A replaced by G.
Protein change: p.Tyr507Cys; replaces tyrosine 507 with cysteine.
Molecular consequence: missense variant.
Genome position (GRCh38, 1-based): chr7:6,028,625, T>C on the plus strand (A>G on the coding strand, the complement: EIF2AK1 is on the minus strand). VCF-style: chr7-6028625-T-C. GRCh37 (hg19) VCF-style: chr7-6068256-T-C.
Other names: c.1517A>G, p.Tyr506Cys (NM_001134335.2); short protein forms Y506C, Y507C.
Identifiers: ClinVar variation 3242031 (VCV003242031.1), dbSNP rs759847990.

ClinVar aggregate classification (germline): Uncertain significance (1 of 4 stars; one submission).

Conditions:
Leukoencephalopathy, motor delay, spasticity, and dysarthria syndrome. Also called: LEMSPAD SYNDROME. Identifiers: MedGen C5394371, MONDO:0030036, OMIM 618878.

Submission:

Neuberg Centre For Genomic Medicine, NCGM
Classification: Uncertain significance for Leukoencephalopathy, motor delay, spasticity, and dysarthria syndrome. Review status: criteria provided, single submitter. Criteria: ACMG Guidelines, 2015. Collection method: clinical testing. Allele origin: germline. Inheritance: Autosomal dominant inheritance. Affected: yes.
Comment: The observed missense variant c.1520A>G(p.Tyr507Cys) in EIF2AK1 gene has not been reported previously as a pathogenic variantnor as a benign variant, to our knowledge. The c.1520A>G variant is absent in gnomAD Exomes. The amino acid Tyrosine at position507 is changed to a Cystine changing protein sequence and it might alter its composition and physico-chemical properties. The variant is predicted to be damaging by SIFT. The amino acid change p.Tyr507Cys in EIF2AK1 is predicted as conserved by GERP++and PhyloP across 100 vertebrates. For these reasons, this variant has been classified as Uncertain Significance.